The following is an entry in ClinVar:

NM_024496.4(IRF2BPL):c.14A>G (p.Gln5Arg)

Genes: IRF2BPL (interferon regulatory factor 2 binding protein like; minus strand), LOC107984638 (uncharacterized LOC107984638; plus strand). Cytogenetic location: 14q24.3.
Variant type: single nucleotide variant.
Coding change: c.14A>G on transcript NM_024496.4 (MANE Select); coding-DNA position 14, A replaced by G.
Protein change: p.Gln5Arg; replaces glutamine 5 with arginine.
Molecular consequence: missense variant.
Genome position (GRCh38, 1-based): chr14:77,027,779, T>C on the plus strand (A>G on the coding strand, the complement: IRF2BPL is on the minus strand). VCF-style: chr14-77027779-T-C. GRCh37 (hg19) VCF-style: chr14-77494122-T-C.
Other names: short protein forms Q5R.
Identifiers: ClinVar variation 1704712 (VCV001704712.2), dbSNP rs1885200164, ClinGen allele CA390502382.

ClinVar aggregate classification (germline): Uncertain significance (1 of 4 stars; one submission).

Allele frequency attached by ClinVar (database versions not stated): TOPMed below 0.00001.

Submission:

GeneDx
Classification: Uncertain significance. Last evaluated: 2022-03-10. Review status: criteria provided, single submitter. Criteria: GeneDx Variant Classification Process June 2021. Collection method: clinical testing. Allele origin: germline. Affected: yes.
Comment: Not observed at significant frequency in large population cohorts (gnomAD); In silico analysis supports that this missense variant does not alter protein structure/function; Has not been previously published as pathogenic or benign to our knowledge